The following is an entry in ClinVar:

ClinVar aggregate classification (germline): Likely pathogenic (1 of 4 stars; one submission).

Conditions:
Oculocerebrofacial syndrome, Kaufman type. Also called: Blepharophimosis-ptosis-intellectual disability syndrome. Identifiers: Orphanet 2707, MedGen C1855663, MONDO:0009485, OMIM 244450.

Submission:

Rady Children's Institute for Genomic Medicine, Rady Children's Hospital San Diego
Classification: Likely pathogenic for Oculocerebrofacial syndrome, Kaufman type. Review status: criteria provided, single submitter. Criteria: ACMG Guidelines, 2015. Collection method: clinical testing. Allele origin: germline. Affected: yes.
Comment: This frameshifting variant in exon 15 of 28 is predicted to result in loss of normal protein function through either protein truncation or nonsense-mediated mRNA decay. This variant has not been previously reported or functionally characterized in the literature to our knowledge. Loss-of-function variation in UBE3B is an established mechanism of disease (PMID: 27763745). The c.1615dup (p.Leu539ProfsTer6) variant is absent from the gnomAD population database and thus is presumed to be rare. Based on the available evidence, the c.1615dup (p.Leu539ProfsTer6) variant is classified as Likely Pathogenic.

NM_130466.4(UBE3B):c.1615dup (p.Leu539fs)

Gene: UBE3B (ubiquitin protein ligase E3B; plus strand). Cytogenetic location: 12q24.11.
Variant type: Duplication.
Coding change: c.1615dup on transcript NM_130466.4 (MANE Select); coding-DNA position 1615, one base duplicated (C; older notation c.1615dupC).
Protein change: p.Leu539fs; shifts the reading frame from leucine 539.
Molecular consequence: frameshift variant.
Genome position (GRCh38, 1-based): chr12:109,507,728, C duplicated; the last of 2 consecutive C bases (chr12:109,507,727-109,507,728); duplicating either gives the same sequence. VCF-style (leftmost placement, unchanged base first): chr12-109507726-A-AC. GRCh37 (hg19) VCF-style: chr12-109945531-A-AC.
Other names: c.1615dup, p.Leu539fs (NM_183415.3); short protein forms L539fs.
Identifiers: ClinVar variation 2584410 (VCV002584410.1), dbSNP rs2548523843, ClinGen allele CA2582341795.
Genomic context (GRCh38, chr12:109,507,726, plus strand): 5'-ACACTGAAGAGTCCAAGCAACTCTTGGCCATGCTGATGCTGTTCTGTGACTGTTCGCGGC[A>AC]CCTCATCACGTAGGTTGACTGCTGTGGGACTGAATTCCTTTCCTAGAATATGGAGAGACC-3'